The following is an entry in ClinVar:

NM_001184.4(ATR):c.4844A>G (p.Asp1615Gly)

Gene: ATR (ATR checkpoint kinase; minus strand). Cytogenetic location: 3q23.
Variant type: single nucleotide variant.
Coding change: c.4844A>G on transcript NM_001184.4 (MANE Select); coding-DNA position 4844, A replaced by G.
Protein change: p.Asp1615Gly; replaces aspartic acid 1615 with glycine.
Molecular consequence: missense variant.
Genome position (GRCh38, 1-based): chr3:142,512,268, T>C on the plus strand (A>G on the coding strand, the complement: ATR is on the minus strand). VCF-style: chr3-142512268-T-C. GRCh37 (hg19) VCF-style: chr3-142231110-T-C.
Other names: c.4652A>G, p.Asp1551Gly (NM_001354579.2); short protein forms D1551G, D1615G.
Identifiers: ClinVar variation 2714879 (VCV002714879.3), dbSNP rs2032617165, ClinGen allele CA354794773.

ClinVar aggregate classification (germline): Uncertain significance (1 of 4 stars; one submission).

Allele frequency attached by ClinVar (database versions not stated): TOPMed below 0.00001.

Submission:

Labcorp Genetics (formerly Invitae), Labcorp
Classification: Uncertain significance. Last evaluated: 2023-08-10. Review status: criteria provided, single submitter. Criteria: Invitae Variant Classification Sherloc (09022015). Collection method: clinical testing. Allele origin: germline.
Comment: Algorithms developed to predict the effect of sequence changes on RNA splicing suggest that this variant may create or strengthen a splice site. In summary, the available evidence is currently insufficient to determine the role of this variant in disease. Therefore, it has been classified as a Variant of Uncertain Significance. An algorithm developed to predict the effect of missense changes on protein structure and function (PolyPhen-2) suggests that this variant is likely to be tolerated. This variant has not been reported in the literature in individuals affected with ATR-related conditions. This variant is not present in population databases (gnomAD no frequency). This sequence change replaces aspartic acid, which is acidic and polar, with glycine, which is neutral and non-polar, at codon 1615 of the ATR protein (p.Asp1615Gly).